The following is an entry in ClinVar:

ClinVar aggregate classification (germline): Uncertain significance (1 of 4 stars; one submission).

Allele frequency attached by ClinVar (database versions not stated): ESP Exome Variant Server 0.00008; TOPMed 0.00014; ExAC 0.00019; gnomAD 0.00019; gnomAD exomes 0.00022.
gnomAD v4.1: 382 of 1,613,898 alleles (0.024%); highest among the groups gnomAD compares: Non-Finnish European, 0.028%; no homozygotes.

Submission:

Labcorp Genetics (formerly Invitae), Labcorp
Classification: Uncertain significance. Last evaluated: 2025-04-14. Review status: criteria provided, single submitter. Criteria: Invitae Variant Classification Sherloc (09022015). Collection method: clinical testing. Allele origin: germline.
Comment: This sequence change replaces serine, which is neutral and polar, with leucine, which is neutral and non-polar, at codon 417 of the MCM5 protein (p.Ser417Leu). This variant is present in population databases (rs200017918, gnomAD 0.05%). This variant has not been reported in the literature in individuals affected with MCM5-related conditions. ClinVar contains an entry for this variant (Variation ID: 1380124). Invitae Evidence Modeling of protein sequence and biophysical properties (such as structural, functional, and spatial information, amino acid conservation, physicochemical variation, residue mobility, and thermodynamic stability) indicates that this missense variant is expected to disrupt MCM5 protein function with a positive predictive value of 80%. In summary, the available evidence is currently insufficient to determine the role of this variant in disease. Therefore, it has been classified as a Variant of Uncertain Significance.

NM_006739.4(MCM5):c.1250C>T (p.Ser417Leu)

Gene: MCM5 (minichromosome maintenance complex component 5; plus strand). Cytogenetic location: 22q12.3.
Variant type: single nucleotide variant.
Coding change: c.1250C>T on transcript NM_006739.4 (MANE Select); coding-DNA position 1250, C replaced by T.
Protein change: p.Ser417Leu; replaces serine 417 with leucine.
Molecular consequence: missense variant.
Genome position (GRCh38, 1-based): chr22:35,415,875, C>T. VCF-style: chr22-35415875-C-T. GRCh37 (hg19) VCF-style: chr22-35811868-C-T.
Other names: short protein forms S417L.
Identifiers: ClinVar variation 1380124 (VCV001380124.6), dbSNP rs200017918, ClinGen allele CA10205310.
Genomic context (GRCh38, chr22:35,415,875, plus strand): 5'-CCCCACTGCCCCAGGTATACACGTCTGGGAAAGGCAGCAGCGCAGCTGGACTGACAGCCT[C>T]GGTGATGAGGGACCCTTCGTCCCGGAATTTCATCATGGAGGGCGGAGCCATGGTCCTGGC-3'
Protein context (NP_006730.2, residues 407-427): KGSSAAGLTA[Ser417Leu]VMRDPSSRNF